The following is an entry in ClinVar:

ClinVar aggregate classification (germline): Likely benign (1 of 4 stars; one submission).

Conditions:
P4HA1-related disorder. Also called: P4HA1-related condition.

gnomAD v4.1: 323 of 1,599,206 alleles (0.02%); highest among the groups gnomAD compares: South Asian, 0.33%; 4 homozygotes.

Submission:

PreventionGenetics, part of Exact Sciences
Classification: Likely benign for P4HA1-related condition. Last evaluated: 2026-05-20. Review status: criteria provided, single submitter. Criteria: ACMG Guidelines, 2015. Collection method: clinical testing. Allele origin: germline.
Comment: This variant is classified as likely benign based on ACMG/AMP sequence variant interpretation guidelines (Richards et al. 2015 PMID: 25741868, with internal and published modifications).

NM_001017962.3(P4HA1):c.1303-10T>G

Gene: P4HA1 (prolyl 4-hydroxylase subunit alpha 1; minus strand). Cytogenetic location: 10q22.1.
Variant type: single nucleotide variant.
Coding change: c.1303-10T>G on transcript NM_001017962.3 (MANE Select); 10 bases into the intron before coding-DNA position 1303, T replaced by G.
Molecular consequence: intron variant.
Genome position (GRCh38, 1-based): chr10:73,014,299, A>C on the plus strand (T>G on the coding strand, the complement: P4HA1 is on the minus strand). VCF-style: chr10-73014299-A-C. GRCh37 (hg19) VCF-style: chr10-74774057-A-C.
Other names: c.1249-10T>G (NM_001142596.2); c.1303-10T>G (NM_000917.4, NM_001142595.2).
Identifiers: ClinVar variation 4993740 (VCV004993740.1).